The following is an entry in ClinVar:

ClinVar aggregate classification (germline): Likely pathogenic. Review status: criteria provided, multiple submitters, no conflicts (2 of 4 stars). 2 submissions from 2 submitters: Likely pathogenic (2). Last evaluated 2025-06-20.

Conditions:
Polycystic kidney disease 4 (PKD4). Also called: POLYCYSTIC KIDNEY AND HEPATIC DISEASE 1; POLYCYSTIC KIDNEY DISEASE, INFANTILE, TYPE I; POLYCYSTIC KIDNEY DISEASE 4 WITH OR WITHOUT POLYCYSTIC LIVER DISEASE; PKD3; Autosomal Recessive Polycystic Kidney Disease – PKHD1. Identifiers: MedGen C4540575, MONDO:0033004, OMIM 263200.

Submissions (2):

Revvity Omics, Revvity
Classification: Likely pathogenic for Polycystic kidney disease 4. Last evaluated: 2025-06-20. Review status: criteria provided, single submitter. Criteria: ACMG Guidelines, 2015. Collection method: clinical testing. Allele origin: germline.

Myriad Genetics, Inc.
Classification: Likely pathogenic for Polycystic kidney disease 4. Last evaluated: 2022-02-25. Review status: criteria provided, single submitter. Criteria: Myriad Women's Health Autosomal Recessive and X-Linked Classification Criteria (2021). Collection method: clinical testing. Allele origin: unknown.
Comment: NM_138694.3(PKHD1):c.11092C>T(Q3698*) is expected to be pathogenic in the context of autosomal recessive polycystic kidney disease, PKHD1-related. This variant is predicted to lead to an abnormal or absent protein product due to the creation of a premature termination codon in PKHD1, a gene where loss-of-function variants are known to be pathogenic. Please note: this variant was assessed in the context of healthy population screening.

NM_138694.4(PKHD1):c.11092C>T (p.Gln3698Ter)

Gene: PKHD1 (PKHD1 ciliary IPT domain containing fibrocystin/polyductin; minus strand). Cytogenetic location: 6p12.3.
Variant type: single nucleotide variant.
Coding change: c.11092C>T on transcript NM_138694.4 (MANE Select); coding-DNA position 11092, C replaced by T.
Protein change: p.Gln3698Ter; replaces glutamine 3698 with a stop codon.
Molecular consequence: nonsense.
Genome position (GRCh38, 1-based): chr6:51,659,034, G>A on the plus strand (C>T on the coding strand, the complement: PKHD1 is on the minus strand). VCF-style: chr6-51659034-G-A. GRCh37 (hg19) VCF-style: chr6-51523832-G-A.
Other names: short protein forms Q3698*.
Identifiers: ClinVar variation 1724697 (VCV001724697.3), dbSNP rs2533430847, ClinGen allele CA364430089.